The following is an entry in ClinVar:

NM_030957.4(ADAMTS10):c.2859G>A (p.Trp953Ter)

Gene: ADAMTS10 (ADAM metallopeptidase with thrombospondin type 1 motif 10; minus strand). Cytogenetic location: 19p13.2.
Variant type: single nucleotide variant.
Coding change: c.2859G>A on transcript NM_030957.4 (MANE Select); coding-DNA position 2859, G replaced by A.
Protein change: p.Trp953Ter; replaces tryptophan 953 with a stop codon.
Molecular consequence: nonsense.
Genome position (GRCh38, 1-based): chr19:8,585,462, C>T on the plus strand (G>A on the coding strand, the complement: ADAMTS10 is on the minus strand). VCF-style: chr19-8585462-C-T. GRCh37 (hg19) VCF-style: chr19-8650346-C-T.
Other names: c.1320G>A, p.Trp440Ter (NM_001282352.2); short protein forms W440*, W953*.
Identifiers: ClinVar variation 4761177 (VCV004761177.1).

ClinVar aggregate classification (germline): Pathogenic (1 of 4 stars; one submission).

Submission:

Labcorp Genetics (formerly Invitae), Labcorp
Classification: Pathogenic. Last evaluated: 2025-03-13. Review status: criteria provided, single submitter. Criteria: Invitae Variant Classification Sherloc (09022015). Collection method: clinical testing. Allele origin: germline.
Comment: This sequence change creates a premature translational stop signal (p.Trp953*) in the ADAMTS10 gene. It is expected to result in an absent or disrupted protein product. Loss-of-function variants in ADAMTS10 are known to be pathogenic (PMID: 15368195, 18567016). This variant is not present in population databases (gnomAD no frequency). This variant has not been reported in the literature in individuals affected with ADAMTS10-related conditions. For these reasons, this variant has been classified as Pathogenic.

Literature cited by the submitters: PubMed 15368195; PubMed 18567016.